The following is an entry in ClinVar:

ClinVar aggregate classification (germline): Uncertain significance (1 of 4 stars; one submission).

Conditions:
Nephronophthisis 15 (NPHP15). Identifiers: Orphanet 3156, MedGen C3541853, MONDO:0013917, OMIM 614845.

Allele frequency attached by ClinVar (database versions not stated): gnomAD exomes below 0.00001.
gnomAD v4.1: 1 of 1,613,432 alleles (0.000062%); highest among the groups gnomAD compares: Non-Finnish European, 0.000085%; no homozygotes.

Submission:

Labcorp Genetics (formerly Invitae), Labcorp
Classification: Uncertain significance for Nephronophthisis 15. Last evaluated: 2022-10-13. Review status: criteria provided, single submitter. Criteria: Invitae Variant Classification Sherloc (09022015). Collection method: clinical testing. Allele origin: germline.
Comment: In summary, the available evidence is currently insufficient to determine the role of this variant in disease. Therefore, it has been classified as a Variant of Uncertain Significance. Algorithms developed to predict the effect of sequence changes on RNA splicing suggest that this variant may create or strengthen a splice site. Algorithms developed to predict the effect of missense changes on protein structure and function output the following: SIFT: "Deleterious"; PolyPhen-2: "Possibly Damaging"; Align-GVGD: "Class C0". The methionine amino acid residue is found in multiple mammalian species, which suggests that this missense change does not adversely affect protein function. ClinVar contains an entry for this variant (Variation ID: 834744). This variant has not been reported in the literature in individuals affected with CEP164-related conditions. This variant is not present in population databases (gnomAD no frequency). This sequence change replaces valine, which is neutral and non-polar, with methionine, which is neutral and non-polar, at codon 788 of the CEP164 protein (p.Val788Met).

NM_014956.5(CEP164):c.2362G>A (p.Val788Met)

Gene: CEP164 (centrosomal protein 164; plus strand). Cytogenetic location: 11q23.3.
Variant type: single nucleotide variant.
Coding change: c.2362G>A on transcript NM_014956.5 (MANE Select); coding-DNA position 2362, G replaced by A.
Protein change: p.Val788Met; replaces valine 788 with methionine.
Molecular consequence: missense variant.
Genome position (GRCh38, 1-based): chr11:117,392,496, G>A. VCF-style: chr11-117392496-G-A. GRCh37 (hg19) VCF-style: chr11-117263212-G-A.
Other names: c.2371G>A, p.Val791Met (NM_001271933.2); short protein forms V791M, V788M.
Identifiers: ClinVar variation 834744 (VCV000834744.7), dbSNP rs2044795731, ClinGen allele CA382725519.